The following is an entry in ClinVar:

NM_014679.5(CEP57):c.1387A>G (p.Lys463Glu)

Gene: CEP57 (centrosomal protein 57; plus strand). Cytogenetic location: 11q21.
Variant type: single nucleotide variant.
Coding change: c.1387A>G on transcript NM_014679.5 (MANE Select); coding-DNA position 1387, A replaced by G.
Protein change: p.Lys463Glu; replaces lysine 463 with glutamic acid.
Molecular consequence: missense variant.
Genome position (GRCh38, 1-based): chr11:95,831,140, A>G. VCF-style: chr11-95831140-A-G. GRCh37 (hg19) VCF-style: chr11-95564304-A-G.
Other names: c.1360A>G, p.Lys454Glu (NM_001243776.2); c.1309A>G, p.Lys437Glu (NM_001243777.2); c.1306A>G, p.Lys436Glu (NM_001363604.2); c.1387A>G (NM_014679.4); short protein forms K436E, K463E, K437E, K454E.
Identifiers: ClinVar variation 2721353 (VCV002721353.5), dbSNP rs776393035, ClinGen allele CA6239786.
Genomic context (GRCh38, chr11:95,831,140, plus strand): 5'-ACTCTTGATGAAGAAAGAAACAGCAGCAGCCGTTCTGGAATCACAGGGACCACAAATAAG[A>G]AAGATTTTATGAAACTGAGACCTGGAGAAAAAAGGAGAAAAAATCTTCAGTTATTGAAGG-3'
Protein context (NP_055494.2, residues 453-473): RSGITGTTNK[Lys463Glu]DFMKLRPGEK

ClinVar aggregate classification (germline): Uncertain significance. Review status: criteria provided, multiple submitters, no conflicts (2 of 4 stars). 3 submissions from 3 submitters: Uncertain significance (3). Last evaluated 2025-02-27.

Conditions:
Inborn genetic diseases. Identifiers: MedGen C0950123, MeSH D030342.
Mosaic variegated aneuploidy syndrome 2 (MVA2). Identifiers: Orphanet 1052, MedGen C3279843, MONDO:0013582, OMIM 614114.

Allele frequency attached by ClinVar (database versions not stated): ExAC 0.00002; gnomAD exomes 0.00004; gnomAD 0.00001.
gnomAD v4.1: 23 of 1,613,462 alleles (0.0014%); highest among the groups gnomAD compares: East Asian, 0.051%; no homozygotes.

Submissions (3):

Labcorp Genetics (formerly Invitae), Labcorp
Classification: Uncertain significance for Mosaic variegated aneuploidy syndrome 2. Last evaluated: 2025-02-27. Review status: criteria provided, single submitter. Criteria: Invitae Variant Classification Sherloc (09022015). Collection method: clinical testing. Allele origin: germline.
Comment: This sequence change replaces lysine, which is basic and polar, with glutamic acid, which is acidic and polar, at codon 463 of the CEP57 protein (p.Lys463Glu). This variant is present in population databases (rs776393035, gnomAD 0.02%). This variant has not been reported in the literature in individuals affected with CEP57-related conditions. ClinVar contains an entry for this variant (Variation ID: 2721353). An algorithm developed to predict the effect of missense changes on protein structure and function (PolyPhen-2) suggests that this variant is likely to be tolerated. In summary, the available evidence is currently insufficient to determine the role of this variant in disease. Therefore, it has been classified as a Variant of Uncertain Significance.

Ambry Genetics
Classification: Uncertain significance for Inborn genetic diseases. Last evaluated: 2025-02-21. Review status: criteria provided, single submitter. Criteria: Ambry Variant Classification Scheme 2023. Collection method: clinical testing. Allele origin: germline.
Comment: The p.K463E variant (also known as c.1387A>G), located in coding exon 11 of the CEP57 gene, results from an A to G substitution at nucleotide position 1387. The lysine at codon 463 is replaced by glutamic acid, an amino acid with similar properties. This amino acid position is conserved. In addition, this alteration is predicted to be tolerated by in silico analysis. Based on the available evidence, the clinical significance of this variant remains unclear.

Fulgent Genetics
Classification: Uncertain significance for Mosaic variegated aneuploidy syndrome 2. Last evaluated: 2024-02-22. Review status: criteria provided, single submitter. Criteria: ACMG Guidelines, 2015. Collection method: clinical testing. Allele origin: germline.